The following is an entry in ClinVar:

ClinVar aggregate classification (germline): Uncertain significance (1 of 4 stars; one submission).

Submission:

Ambry Genetics
Classification: Uncertain significance. Last evaluated: 2022-04-07. Review status: criteria provided, single submitter. Criteria: Ambry Variant Classification Scheme 2023. Collection method: clinical testing. Allele origin: germline.
Comment: The p.T628K variant (also known as c.1883C>A), located in coding exon 3 of the ALPK2 gene, results from a C to A substitution at nucleotide position 1883. The threonine at codon 628 is replaced by lysine, an amino acid with similar properties. This amino acid position is conserved. In addition, this alteration is predicted to be tolerated by in silico analysis. Since supporting evidence is limited at this time, the clinical significance of this alteration remains unclear.

NM_052947.4(ALPK2):c.1883C>A (p.Thr628Lys)

Gene: ALPK2 (alpha kinase 2; minus strand). Cytogenetic location: 18q21.31.
Variant type: single nucleotide variant.
Coding change: c.1883C>A on transcript NM_052947.4 (MANE Select); coding-DNA position 1883, C replaced by A.
Protein change: p.Thr628Lys; replaces threonine 628 with lysine.
Molecular consequence: missense variant.
Genome position (GRCh38, 1-based): chr18:58,578,893, G>T on the plus strand (C>A on the coding strand, the complement: ALPK2 is on the minus strand). VCF-style: chr18-58578893-G-T. GRCh37 (hg19) VCF-style: chr18-56246125-G-T.
Other names: short protein forms T628K.
Identifiers: ClinVar variation 1781926 (VCV001781926.2), dbSNP rs756185351, ClinGen allele CA402559654.